The following is an entry in ClinVar:

ClinVar aggregate classification (germline): Likely benign (1 of 4 stars; one submission).

Allele frequency attached by ClinVar (database versions not stated): gnomAD exomes below 0.00001; ExAC 0.00002; gnomAD 0.00002; TOPMed 0.00003.
gnomAD v4.1: 10 of 1,614,026 alleles (0.00062%); highest among the groups gnomAD compares: African/African-American, 0.004%; no homozygotes.

Submission:

CeGaT Center for Human Genetics Tuebingen
Classification: Likely benign. Last evaluated: 2022-11-01. Review status: criteria provided, single submitter. Criteria: CeGaT Center For Human Genetics Tuebingen Variant Classification Criteria Version 2. Collection method: clinical testing. Allele origin: germline. Affected: yes. Observed: 1 variant allele.
Comment: NR3C2: BP4, BP7

NM_000901.5(NR3C2):c.2304G>A (p.Thr768=)

Gene: NR3C2 (nuclear receptor subfamily 3 group C member 2; minus strand). Cytogenetic location: 4q31.23.
Variant type: single nucleotide variant.
Coding change: c.2304G>A on transcript NM_000901.5 (MANE Select); coding-DNA position 2304, G replaced by A.
Protein change: p.Thr768=; no amino-acid change (threonine 768 retained).
Molecular consequence: synonymous variant. On other transcripts: intron variant (2).
Genome position (GRCh38, 1-based): chr4:148,154,612, C>T on the plus strand (G>A on the coding strand, the complement: NR3C2 is on the minus strand). VCF-style: chr4-148154612-C-T. GRCh37 (hg19) VCF-style: chr4-149075763-C-T.
Other names: c.2015-1999G>A (NM_001354819.1, NM_001166104.2).
Identifiers: ClinVar variation 2655118 (VCV002655118.24), dbSNP rs762876416, ClinGen allele CA3100133.
Genomic context (GRCh38, chr4:148,154,612, plus strand): 5'-TGGAAGTACCTTTGCCCACTTCACGACTTGGATCATCTGTTTGCCTGCTAAGCGGTTGAG[C>T]GTGGAGAGCAGATTTTCGGCTGTATCTGGTTTTGAGCTGTCATAGCCTGCATATACAATT-3'
Protein context (NP_000892.2, residues 758-778): KPDTAENLLS[Thr768=]LNRLAGKQMI